The following is an entry in ClinVar:

NM_005188.4(CBL):c.80G>T (p.Gly27Val)

Genes: CBL (Cbl proto-oncogene; plus strand), LOC130006895 (ATAC-STARR-seq lymphoblastoid silent region 3975; plus strand). Cytogenetic location: 11q23.3.
Variant type: single nucleotide variant.
Coding change: c.80G>T on transcript NM_005188.4 (MANE Select); coding-DNA position 80, G replaced by T.
Protein change: p.Gly27Val; replaces glycine 27 with valine.
Molecular consequence: missense variant.
Genome position (GRCh38, 1-based): chr11:119,206,497, G>T. VCF-style: chr11-119206497-G-T. GRCh37 (hg19) VCF-style: chr11-119077207-G-T.
Other names: c.80G>T (NM_005188.2); short protein forms G27V.
Identifiers: ClinVar variation 543993 (VCV000543993.10), dbSNP rs933058944, ClinGen allele CA229653645.

ClinVar aggregate classification (germline): Uncertain significance. Review status: criteria provided, multiple submitters, no conflicts (2 of 4 stars). 2 submissions from 2 submitters: Uncertain significance (2). Last evaluated 2025-01-28.

Conditions:
Cardiovascular phenotype. Identifiers: MedGen CN230736.
RASopathy. Also called: Noonan spectrum disorder; rasopathies. Identifiers: Orphanet 536391, MedGen C5555857, MONDO:0021060.

gnomAD v4.1: 5 of 1,570,074 alleles (0.00032%); highest among the groups gnomAD compares: Non-Finnish European, 0.00043%; no homozygotes.

Submissions (2):

Ambry Genetics
Classification: Uncertain significance for Cardiovascular phenotype. Last evaluated: 2025-01-28. Review status: criteria provided, single submitter. Criteria: Ambry Variant Classification Scheme 2023. Collection method: clinical testing. Allele origin: germline.
Comment: The p.G27V variant (also known as c.80G>T), located in coding exon 1 of the CBL gene, results from a G to T substitution at nucleotide position 80. The glycine at codon 27 is replaced by valine, an amino acid with dissimilar properties. This amino acid position is conserved. In addition, the in silico prediction for this alteration is inconclusive. Based on the available evidence, the clinical significance of this variant remains unclear.

Labcorp Genetics (formerly Invitae), Labcorp
Classification: Uncertain significance for RASopathy. Last evaluated: 2024-11-03. Review status: criteria provided, single submitter. Criteria: Invitae Variant Classification Sherloc (09022015). Collection method: clinical testing. Allele origin: germline.
Comment: This sequence change replaces glycine, which is neutral and non-polar, with valine, which is neutral and non-polar, at codon 27 of the CBL protein (p.Gly27Val). This variant is not present in population databases (gnomAD no frequency). This variant has not been reported in the literature in individuals affected with CBL-related conditions. ClinVar contains an entry for this variant (Variation ID: 543993). Invitae Evidence Modeling of protein sequence and biophysical properties (such as structural, functional, and spatial information, amino acid conservation, physicochemical variation, residue mobility, and thermodynamic stability) indicates that this missense variant is not expected to disrupt CBL protein function with a negative predictive value of 95%. In summary, the available evidence is currently insufficient to determine the role of this variant in disease. Therefore, it has been classified as a Variant of Uncertain Significance.